The following is an entry in ClinVar:

ClinVar aggregate classification (germline): Uncertain significance (1 of 4 stars; one submission).

Conditions:
Tuberous sclerosis syndrome (TSC). Also called: Tuberous Sclerosis Complex; Tuberous sclerosis. Identifiers: Orphanet 805, MedGen C0041341, MONDO:0001734.

Submission:

Color Diagnostics, LLC DBA Color Health
Classification: Uncertain significance for Tuberous sclerosis syndrome. Last evaluated: 2025-08-25. Review status: criteria provided, single submitter. Criteria: ACMG Guidelines, 2015. Collection method: clinical testing. Allele origin: germline.
Comment: This variant causes an A to C nucleotide substitution at the +4 position of intron 16/22 of the TSC1 gene. To our knowledge, functional studies have not been reported for this variant. This variant has not been reported in individuals affected with TSC1-related disorders in the literature. This variant has not been identified in the general population by the Genome Aggregation Database (gnomAD). The available evidence is insufficient to determine the role of this variant in disease conclusively. Therefore, this variant is classified as a Variant of Uncertain Significance.

NM_000368.5(TSC1):c.2041+4A>C

Gene: TSC1 (TSC complex subunit 1; minus strand). Cytogenetic location: 9q34.13.
Variant type: single nucleotide variant.
Coding change: c.2041+4A>C on transcript NM_000368.5 (MANE Select); 4 bases into the intron after coding-DNA position 2041, A replaced by C.
Molecular consequence: intron variant.
Genome position (GRCh38, 1-based): chr9:132,904,407, T>G on the plus strand (A>C on the coding strand, the complement: TSC1 is on the minus strand). VCF-style: chr9-132904407-T-G. GRCh37 (hg19) VCF-style: chr9-135779794-T-G.
Other names: c.1675+4A>C (NM_001406620.1, NM_001406625.1, NM_001406621.1 and 2 more transcripts); c.1678+4A>C (NM_001406618.1, NM_001406617.1, NM_001406619.1 and 5 more transcripts); c.1885+4A>C (NM_001406613.1, NM_001406612.1, NM_001406611.1); c.1888+4A>C (NM_001406610.1, NM_001162427.2); c.1087+4A>C (NM_001406627.1, NM_001406628.1); c.988+4A>C (NM_001406629.1, NM_001406630.1); c.2038+4A>C (NM_001406603.1, NM_001406609.1, NM_001406597.1 and 6 more transcripts); c.2041+4A>C (NM_001406602.1, NM_001406606.1, NM_001406592.1 and 7 more transcripts); and 1 more.
Identifiers: ClinVar variation 4757847 (VCV004757847.1).